The following is an entry in ClinVar:

NM_015346.4(ZFYVE26):c.5494C>T (p.Arg1832Cys)

Gene: ZFYVE26 (zinc finger FYVE-type containing 26; minus strand). Cytogenetic location: 14q24.1.
Variant type: single nucleotide variant.
Coding change: c.5494C>T on transcript NM_015346.4 (MANE Select); coding-DNA position 5494, C replaced by T.
Protein change: p.Arg1832Cys; replaces arginine 1832 with cysteine.
Molecular consequence: missense variant.
Genome position (GRCh38, 1-based): chr14:67,769,721, G>A on the plus strand (C>T on the coding strand, the complement: ZFYVE26 is on the minus strand). VCF-style: chr14-67769721-G-A. GRCh37 (hg19) VCF-style: chr14-68236438-G-A.
Other names: short protein forms R1832C.
Identifiers: ClinVar variation 1027978 (VCV001027978.7), dbSNP rs763540632, ClinGen allele CA7239477.

ClinVar aggregate classification (germline): Uncertain significance. Review status: criteria provided, multiple submitters, no conflicts (2 of 4 stars). 2 submissions from 2 submitters: Uncertain significance (2). Last evaluated 2025-06-03.

Conditions:
Spastic paraplegia. Identifiers: MedGen C0037772, HP:0001258.
Hereditary spastic paraplegia 15 (SPG15). Also called: SPASTIC PARAPLEGIA 15, AUTOSOMAL RECESSIVE; KJELLIN SYNDROME; SPASTIC PARAPLEGIA AND RETINAL DEGENERATION. Identifiers: Orphanet 100996, MedGen C1849128, MONDO:0010044, OMIM 270700.

Allele frequency attached by ClinVar (database versions not stated): TOPMed 0.00001; ExAC 0.00002; gnomAD 0.00002 and 0.00003; gnomAD exomes 0.00002 and 0.00003.
gnomAD v4.1: 41 of 1,613,942 alleles (0.0025%); highest among the groups gnomAD compares: East Asian, 0.0045%; no homozygotes.

Submissions (2):

Labcorp Genetics (formerly Invitae), Labcorp
Classification: Uncertain significance for Spastic paraplegia. Last evaluated: 2025-06-03. Review status: criteria provided, single submitter. Criteria: Invitae Variant Classification Sherloc (09022015). Collection method: clinical testing. Allele origin: germline.
Comment: This sequence change replaces arginine, which is basic and polar, with cysteine, which is neutral and slightly polar, at codon 1832 of the ZFYVE26 protein (p.Arg1832Cys). This variant is present in population databases (rs763540632, gnomAD 0.007%). This variant has not been reported in the literature in individuals affected with ZFYVE26-related conditions. ClinVar contains an entry for this variant (Variation ID: 1027978). An algorithm developed to predict the effect of missense changes on protein structure and function (PolyPhen-2) suggests that this variant is likely to be disruptive. In summary, the available evidence is currently insufficient to determine the role of this variant in disease. Therefore, it has been classified as a Variant of Uncertain Significance.

Baylor Genetics
Classification: Uncertain significance for Hereditary spastic paraplegia 15. Last evaluated: 2019-08-23. Review status: criteria provided, single submitter. Criteria: ACMG Guidelines, 2015. Collection method: clinical testing. Allele origin: unknown. Affected: yes.
Comment: This variant was determined to be of uncertain significance according to ACMG Guidelines, 2015 [PMID:25741868].